The following is an entry in ClinVar:

ClinVar aggregate classification (germline): Uncertain significance (1 of 4 stars; one submission).

Submission:

CeGaT Center for Human Genetics Tuebingen
Classification: Uncertain significance. Last evaluated: 2026-10-01. Review status: criteria provided, single submitter. Criteria: CeGaT Center For Human Genetics Tuebingen Variant Classification Criteria Version 2. Collection method: clinical testing. Allele origin: germline. Affected: yes. Observed: 1 variant allele.
Comment: TLR4: PM2, BP4

NM_138554.5(TLR4):c.640C>A (p.Pro214Thr)

Gene: TLR4 (toll like receptor 4; plus strand). Cytogenetic location: 9q33.1.
Variant type: single nucleotide variant.
Coding change: c.640C>A on transcript NM_138554.5 (MANE Select); coding-DNA position 640, C replaced by A.
Protein change: p.Pro214Thr; replaces proline 214 with threonine.
Molecular consequence: missense variant.
Genome position (GRCh38, 1-based): chr9:117,712,768, C>A. VCF-style: chr9-117712768-C-A. GRCh37 (hg19) VCF-style: chr9-120475046-C-A.
Other names: c.520C>A, p.Pro174Thr (NM_003266.4); c.40C>A, p.Pro14Thr (NM_138557.3); short protein forms P14T, P174T, P214T.
Identifiers: ClinVar variation 5040844 (VCV005040844.1).
Genomic context (GRCh38, chr9:117,712,768, plus strand): 5'-GACTTGCGGGTTCTACATCAAATGCCCCTACTCAATCTCTCTTTAGACCTGTCCCTGAAC[C>A]CTATGAACTTTATCCAACCAGGTGCATTTAAAGAAATTAGGCTTCATAAGCTGACTTTAA-3'
Protein context (NP_612564.1, residues 204-224): LNLSLDLSLN[Pro214Thr]MNFIQPGAFK